The following is an entry in ClinVar:

ClinVar aggregate classification (germline): Uncertain significance. Review status: criteria provided, multiple submitters, no conflicts (2 of 4 stars). 3 submissions from 3 submitters: Uncertain significance (3). Last evaluated 2023-11-27.

Conditions:
Fetal akinesia deformation sequence 1 (FADS1). Also called: Pena-Shokeir syndrome type I; Fetal akinesia sequence. Identifiers: Orphanet 994, MedGen C1276035, MONDO:0100101, OMIM 208150, HP:0001989.
Congenital myasthenic syndrome 10. Also called: Myasthenia, limb-girdle, familial. Identifiers: Orphanet 590, MedGen C1850792, MONDO:0009690, OMIM 254300.

Allele frequency attached by ClinVar (database versions not stated): 1000 Genomes Project 30x 0.00016; 1000 Genomes Project 0.00020; gnomAD 0.00001 and 0.00003; TOPMed 0.00002; ExAC 0.00003.
gnomAD v4.1: 39 of 1,613,456 alleles (0.0024%); highest among the groups gnomAD compares: East Asian, 0.029%; no homozygotes.

Submissions (3):

Labcorp Genetics (formerly Invitae), Labcorp
Classification: Uncertain significance for Congenital myasthenic syndrome 10; Fetal akinesia deformation sequence 1. Last evaluated: 2023-11-27. Review status: criteria provided, single submitter. Criteria: Invitae Variant Classification Sherloc (09022015). Collection method: clinical testing. Allele origin: germline.
Comment: This sequence change replaces valine, which is neutral and non-polar, with isoleucine, which is neutral and non-polar, at codon 139 of the DOK7 protein (p.Val139Ile). This variant is present in population databases (rs571769859, gnomAD 0.06%). This variant has not been reported in the literature in individuals affected with DOK7-related conditions. ClinVar contains an entry for this variant (Variation ID: 1511459). Advanced modeling of protein sequence and biophysical properties (such as structural, functional, and spatial information, amino acid conservation, physicochemical variation, residue mobility, and thermodynamic stability) performed at Invitae indicates that this missense variant is not expected to disrupt DOK7 protein function with a negative predictive value of 80%. This variant disrupts the p.Val139 amino acid residue in DOK7. Other variant(s) that disrupt this residue have been determined to be pathogenic (PMID: 20554332, 22661499; Invitae). This suggests that this residue is clinically significant, and that variants that disrupt this residue are likely to be disease-causing. In summary, the available evidence is currently insufficient to determine the role of this variant in disease. Therefore, it has been classified as a Variant of Uncertain Significance.

Revvity Omics, Revvity
Classification: Uncertain significance. Last evaluated: 2023-11-17. Review status: criteria provided, single submitter. Criteria: ACMG Guidelines, 2015. Collection method: clinical testing. Allele origin: germline.

Breakthrough Genomics
Classification: Uncertain significance. Review status: criteria provided, single submitter. Criteria: ACMG Guidelines, 2015. Collection method: not provided. Allele origin: germline. Inheritance: Autosomal recessive inheritance. Affected: yes.

Literature cited by the submitters: PubMed 20554332 (cited by Labcorp Genetics (formerly Invitae), Labcorp); PubMed 22661499 (cited by Labcorp Genetics (formerly Invitae), Labcorp).

NM_173660.5(DOK7):c.415G>A (p.Val139Ile)

Gene: DOK7 (docking protein 7; plus strand). Cytogenetic location: 4p16.3.
Variant type: single nucleotide variant.
Coding change: c.415G>A on transcript NM_173660.5 (MANE Select); coding-DNA position 415, G replaced by A.
Protein change: p.Val139Ile; replaces valine 139 with isoleucine.
Molecular consequence: missense variant. On other transcripts: intron variant (1).
Genome position (GRCh38, 1-based): chr4:3,476,425, G>A. VCF-style: chr4-3476425-G-A. GRCh37 (hg19) VCF-style: chr4-3478152-G-A.
Other names: c.415G>A, p.Val139Ile (NM_001164673.2, NM_001301071.2); c.101-9114G>A (NM_001363811.2); short protein forms V139I.
Identifiers: ClinVar variation 1511459 (VCV001511459.6), dbSNP rs571769859, ClinGen allele CA2828994.
Genomic context (GRCh38, chr4:3,476,425, plus strand): 5'-GCTCCAGGCACCAAGTTGGAGAGCGGCCCGGCTACCCTGCACCTCTGCAATGATGTCCTC[G>A]TCTTGGCCAGGGACATCCCCCCGGCTGTCACGGGGCAGTGGAAGCTGTCTGACCTCCGGC-3'
Protein context (NP_775931.3, residues 129-149): ATLHLCNDVL[Val139Ile]LARDIPPAVT